The following is an entry in ClinVar:

ClinVar aggregate classification (germline): Pathogenic (1 of 4 stars; one submission).

Conditions:
Pitt-Hopkins-like syndrome 2 (PTHSL2). Identifiers: Orphanet 221150, Orphanet 600663, MedGen C3280479, MONDO:0013690, OMIM 614325.

Submission:

Labcorp Genetics (formerly Invitae), Labcorp
Classification: Pathogenic for Pitt-Hopkins-like syndrome 2. Last evaluated: 2025-07-31. Review status: criteria provided, single submitter. Criteria: Invitae Variant Classification Sherloc (09022015). Collection method: clinical testing. Allele origin: germline.
Comment: This sequence change creates a premature translational stop signal (p.Ser704Valfs*5) in the NRXN1 gene. It is expected to result in an absent or disrupted protein product. Loss-of-function variants in NRXN1 are known to be pathogenic (PMID: 19896112, 21964664, 23495017, 23533028, 25149956, 30031152). This variant is not present in population databases (gnomAD no frequency). This variant has not been reported in the literature in individuals affected with NRXN1-related conditions. For these reasons, this variant has been classified as Pathogenic.

Literature cited by the submitters: PubMed 19896112; PubMed 21964664; PubMed 23495017; PubMed 23533028; PubMed 25149956; PubMed 30031152.

NM_001330078.2(NRXN1):c.1990del (p.Ser664fs)

Gene: NRXN1 (neurexin 1; minus strand). Cytogenetic location: 2p16.3.
Variant type: Deletion.
Coding change: c.1990del on transcript NM_001330078.2 (MANE Select); coding-DNA position 1990, one base deleted (A; older notation c.1990delA).
Protein change: p.Ser664fs; shifts the reading frame from serine 664.
Molecular consequence: frameshift variant.
Genome position (GRCh38, 1-based): chr2:50,538,406, T deleted on the plus strand (A on the coding strand, the reverse complement: NRXN1 is on the minus strand); the first of 3 consecutive T bases (chr2:50,538,406-50,538,408); deleting any one gives the same sequence. VCF-style (leftmost placement, unchanged base first): chr2-50538405-CT-C. GRCh37 (hg19) VCF-style: chr2-50765543-CT-C.
Other names: c.2110del, p.Ser704fs (NM_001135659.3); c.1966del, p.Ser656fs (NM_001330077.2, NM_001330082.2, NM_001330095.2); c.1951del, p.Ser651fs (NM_001330083.2, NM_001330084.2); c.1990del, p.Ser664fs (NM_001330085.2, NM_001330086.2, NM_004801.6); c.1906del, p.Ser636fs (NM_001330087.2, NM_001330096.2); c.1936del, p.Ser646fs (NM_001330088.2); c.1987del, p.Ser663fs (NM_001330093.2); c.1978del, p.Ser660fs (NM_001330094.2); short protein forms S636fs, S646fs, S656fs, S651fs, S660fs, S663fs, S704fs, S664fs.
Identifiers: ClinVar variation 4722704 (VCV004722704.1).